The following is an entry in ClinVar:

ClinVar aggregate classification (germline): Benign/Likely benign. Review status: criteria provided, multiple submitters, no conflicts (2 of 4 stars). 5 submissions from 5 submitters: Benign (1); Likely benign (4). Last evaluated 2026-04-22.

Conditions:
PCCB-related disorder. Also called: PCCB-related condition.
Propionic acidemia (PROP). Also called: HYPERGLYCINEMIA WITH KETOACIDOSIS AND LEUKOPENIA; KETOTIC HYPERGLYCINEMIA; GLYCINEMIA, KETOTIC. Identifiers: Orphanet 35, MedGen C0268579, MONDO:0011628, OMIM 606054, HP:0003571.

Allele frequency attached by ClinVar (database versions not stated): ESP Exome Variant Server 0.00308; 1000 Genomes Project 30x 0.00453; gnomAD exomes 0.00020 and 0.00066; ExAC 0.00088; gnomAD 0.00137; TOPMed 0.00221; 1000 Genomes Project 0.00300.
gnomAD v4.1: 631 of 1,601,796 alleles (0.039%); highest among the groups gnomAD compares: African/African-American, 0.77%; 7 homozygotes.

Submissions (5):

PreventionGenetics, part of Exact Sciences
Classification: Likely benign for PCCB-related condition. Last evaluated: 2026-04-22. Review status: criteria provided, single submitter. Criteria: ACMG Guidelines, 2015. Collection method: clinical testing. Allele origin: germline.
Comment: This variant is classified as likely benign based on ACMG/AMP sequence variant interpretation guidelines (Richards et al. 2015 PMID: 25741868, with internal and published modifications).

Labcorp Genetics (formerly Invitae), Labcorp
Classification: Benign for Propionic acidemia. Last evaluated: 2026-01-27. Review status: criteria provided, single submitter. Criteria: Invitae Variant Classification Sherloc (09022015). Collection method: clinical testing. Allele origin: germline.

Blueprint Genetics
Classification: Likely benign. Last evaluated: 2024-09-11. Review status: criteria provided, single submitter. Criteria: ACMG Guidelines, 2015. Collection method: clinical testing. Allele origin: germline.

GeneDx
Classification: Likely benign. Last evaluated: 2018-05-08. Review status: criteria provided, single submitter. Criteria: GeneDx Variant Classification Process June 2021. Collection method: clinical testing. Allele origin: germline. Affected: yes.

Illumina Laboratory Services, Illumina
Classification: Likely benign for Propionic acidemia. Last evaluated: 2018-01-12. Review status: criteria provided, single submitter. Criteria: ICSL Variant Classification Criteria 13 December 2019. Collection method: clinical testing. Allele origin: germline.
Comment: This variant was observed in the ICSL laboratory as part of a predisposition screen in an ostensibly healthy population. It had not been previously curated by ICSL or reported in the Human Gene Mutation Database (HGMD: prior to June 1st, 2018), and was therefore a candidate for classification through an automated scoring system. Utilizing variant allele frequency, disease prevalence and penetrance estimates, and inheritance mode, an automated score was calculated to assess if this variant is too frequent to cause the disease. Based on the score and internal cut-off values, a variant classified as likely benign is not then subjected to further curation. The score for this variant resulted in a classification of likely benign for this disease.

NM_000532.5(PCCB):c.1299+9C>A

Gene: PCCB (propionyl-CoA carboxylase subunit beta; plus strand). Cytogenetic location: 3q22.3.
Variant type: single nucleotide variant.
Coding change: c.1299+9C>A on transcript NM_000532.5 (MANE Select); 9 bases into the intron after coding-DNA position 1299, C replaced by A.
Molecular consequence: intron variant.
Genome position (GRCh38, 1-based): chr3:136,327,264, C>A. VCF-style: chr3-136327264-C-A. GRCh37 (hg19) VCF-style: chr3-136046106-C-A.
Other names: c.1359+9C>A (NM_001178014.2).
Identifiers: ClinVar variation 387149 (VCV000387149.20), dbSNP rs60968242, ClinGen allele CA2632122.